The following is an entry in ClinVar:

ClinVar aggregate classification (germline): Uncertain significance (1 of 4 stars; one submission).

Conditions:
Charcot-Marie-Tooth disease dominant intermediate B (CMTDIB). Also called: CHARCOT-MARIE-TOOTH NEUROPATHY, DOMINANT INTERMEDIATE B; Charcot-Marie-Tooth disease dominant intermediate 1; CMT DI1; Charcot-Marie-Tooth disease dominant intermediate I. Identifiers: Orphanet 100044, Orphanet 228179, MedGen C1847902, MONDO:0011674, OMIM 606482.

Submission:

Labcorp Genetics (formerly Invitae), Labcorp
Classification: Uncertain significance for Charcot-Marie-Tooth disease dominant intermediate B. Last evaluated: 2021-01-18. Review status: criteria provided, single submitter. Criteria: Invitae Variant Classification Sherloc (09022015). Collection method: clinical testing. Allele origin: germline.
Comment: This variant is not present in population databases (ExAC no frequency). In summary, the available evidence is currently insufficient to determine the role of this variant in disease. Therefore, it has been classified as a Variant of Uncertain Significance. Algorithms developed to predict the effect of missense changes on protein structure and function are either unavailable or do not agree on the potential impact of this missense change (SIFT: "Deleterious"; PolyPhen-2: "Benign"; Align-GVGD: "Class C15"). This variant has not been reported in the literature in individuals with DNM2-related conditions. This sequence change replaces lysine with glutamic acid at codon 245 of the DNM2 protein (p.Lys245Glu). The lysine residue is moderately conserved and there is a small physicochemical difference between lysine and glutamic acid.

NM_001005361.3(DNM2):c.733A>G (p.Lys245Glu)

Gene: DNM2 (dynamin 2; plus strand). Cytogenetic location: 19p13.2.
Variant type: single nucleotide variant.
Coding change: c.733A>G on transcript NM_001005361.3 (MANE Select); coding-DNA position 733, A replaced by G.
Protein change: p.Lys245Glu; replaces lysine 245 with glutamic acid.
Molecular consequence: missense variant.
Genome position (GRCh38, 1-based): chr19:10,783,004, A>G. VCF-style: chr19-10783004-A-G. GRCh37 (hg19) VCF-style: chr19-10893680-A-G.
Other names: c.733A>G, p.Lys245Glu (NM_001005360.3, NM_001005362.3, NM_001190716.2 and 1 more transcripts); short protein forms K245E.
Identifiers: ClinVar variation 1036761 (VCV001036761.8), dbSNP rs2071429703, ClinGen allele CA404045154.